The following is an entry in ClinVar:

ClinVar aggregate classification (germline): Likely pathogenic (1 of 4 stars; one submission).

Submission:

GeneDx
Classification: Likely pathogenic. Last evaluated: 2024-10-08. Review status: criteria provided, single submitter. Criteria: GeneDx Variant Classification Process June 2021. Collection method: clinical testing. Allele origin: germline. Affected: yes.
Comment: Canonical splice site variant predicted to result in an in-frame loss of the adjacent exon in a gene for which loss of function is a known mechanism of disease; Not observed at significant frequency in large population cohorts (gnomAD); Has not been previously published as pathogenic or benign to our knowledge

NM_001142864.4(PIEZO1):c.2791-1G>A

Genes: HSALR1 (HSP90AB1 associated lncRNA 1; plus strand), PIEZO1 (piezo type mechanosensitive ion channel component 1 (Er blood group); minus strand). Cytogenetic location: 16q24.3.
Variant type: single nucleotide variant.
Coding change: c.2791-1G>A on transcript NM_001142864.4 (MANE Select); the canonical splice acceptor site of the intron before coding-DNA position 2791, G replaced by A.
Molecular consequence: splice acceptor variant.
Genome position (GRCh38, 1-based): chr16:88,732,536, C>T on the plus strand (G>A on the coding strand, the complement: PIEZO1 is on the minus strand). VCF-style: chr16-88732536-C-T. GRCh37 (hg19) VCF-style: chr16-88798944-C-T.
Identifiers: ClinVar variation 3777376 (VCV003777376.1).